The following is an entry in ClinVar:

NM_006019.4(TCIRG1):c.1030G>A (p.Gly344Arg)

Gene: TCIRG1 (T cell immune regulator 1, ATPase H+ transporting V0 subunit a3; plus strand). Cytogenetic location: 11q13.2.
Variant type: single nucleotide variant.
Coding change: c.1030G>A on transcript NM_006019.4 (MANE Select); coding-DNA position 1030, G replaced by A.
Protein change: p.Gly344Arg; replaces glycine 344 with arginine.
Molecular consequence: missense variant.
Genome position (GRCh38, 1-based): chr11:68,044,967, G>A. VCF-style: chr11-68044967-G-A. GRCh37 (hg19) VCF-style: chr11-67812434-G-A.
Other names: c.136G>A, p.Gly46Arg (NM_001351059.2); c.382G>A, p.Gly128Arg (NM_006053.4); c.1030G>A (NM_006019.3); short protein forms G128R, G46R, G344R.
Identifiers: ClinVar variation 2147554 (VCV002147554.6), dbSNP rs746196069, ClinGen allele CA6146921.

ClinVar aggregate classification (germline): Uncertain significance. Review status: criteria provided, multiple submitters, no conflicts (2 of 4 stars). 2 submissions from 2 submitters: Uncertain significance (2). Last evaluated 2025-08-20.

Conditions:
Inborn genetic diseases. Identifiers: MedGen C0950123, MeSH D030342.

Allele frequency attached by ClinVar (database versions not stated): ExAC 0.00001; gnomAD 0.00001; TOPMed 0.00002.

Submissions (2):

Labcorp Genetics (formerly Invitae), Labcorp
Classification: Uncertain significance. Last evaluated: 2025-08-20. Review status: criteria provided, single submitter. Criteria: Invitae Variant Classification Sherloc (09022015). Collection method: clinical testing. Allele origin: germline.
Comment: This sequence change replaces glycine, which is neutral and non-polar, with arginine, which is basic and polar, at codon 344 of the TCIRG1 protein (p.Gly344Arg). This variant is present in population databases (rs746196069, gnomAD 0.003%). This variant has not been reported in the literature in individuals affected with TCIRG1-related conditions. ClinVar contains an entry for this variant (Variation ID: 2147554). Invitae Evidence Modeling of protein sequence and biophysical properties (such as structural, functional, and spatial information, amino acid conservation, physicochemical variation, residue mobility, and thermodynamic stability) indicates that this missense variant is not expected to disrupt TCIRG1 protein function with a negative predictive value of 80%. In summary, the available evidence is currently insufficient to determine the role of this variant in disease. Therefore, it has been classified as a Variant of Uncertain Significance.

Ambry Genetics
Classification: Uncertain significance for Inborn genetic diseases. Last evaluated: 2023-02-03. Review status: criteria provided, single submitter. Criteria: Ambry Variant Classification Scheme 2023. Collection method: clinical testing. Allele origin: germline.